The following is an entry in ClinVar:

NM_001267550.2(TTN):c.81247T>C (p.Ser27083Pro)

Genes: TTN (titin; minus strand), TTN-AS1 (TTN antisense RNA 1; plus strand). Cytogenetic location: 2q31.2.
Variant type: single nucleotide variant.
Coding change: c.81247T>C on transcript NM_001267550.2 (MANE Select); coding-DNA position 81247, T replaced by C.
Protein change: p.Ser27083Pro; replaces serine 27083 with proline.
Molecular consequence: missense variant.
Genome position (GRCh38, 1-based): chr2:178,564,885, A>G on the plus strand (T>C on the coding strand, the complement: TTN is on the minus strand). VCF-style: chr2-178564885-A-G. GRCh37 (hg19) VCF-style: chr2-179429612-A-G.
Other names: p.S25442P:TCA>CCA; c.76324T>C, p.Ser25442Pro (NM_001256850.1); c.54052T>C, p.Ser18018Pro (NM_003319.4); c.73543T>C, p.Ser24515Pro (NM_133378.4); c.54427T>C, p.Ser18143Pro (NM_133432.3); c.54628T>C, p.Ser18210Pro (NM_133437.4); short protein forms S24515P, S27083P, S25442P, S18018P, S18210P, S18143P.
Identifiers: ClinVar variation 96307 (VCV000096307.49), dbSNP rs186273940, ClinGen allele CA181698.

ClinVar aggregate classification (germline): Conflicting classifications of pathogenicity. Review status: criteria provided, conflicting classifications (1 of 4 stars). 12 submissions from 12 submitters: Uncertain significance (4); Likely benign (7). 1 of the submissions does not count toward it. Last evaluated 2026-08-01.

Conditions:
TTN-related disorder. Also called: TTN-related disorders; TTN-related condition; TTN-related disease.
Cardiovascular phenotype. Identifiers: MedGen CN230736.
Dilated cardiomyopathy 1G (CMD1G). Identifiers: Orphanet 154, MedGen C1858763, MONDO:0011400, OMIM 604145.
Autosomal recessive limb-girdle muscular dystrophy type 2J (LGMDR10). Also called: Limb-girdle muscular dystrophy, type 2J; MUSCULAR DYSTROPHY, LIMB-GIRDLE, AUTOSOMAL RECESSIVE 10. Identifiers: Orphanet 140922, MedGen C1837342, MONDO:0012127, OMIM 608807.

Allele frequency attached by ClinVar (database versions not stated): gnomAD exomes 0.00026 and 0.00037; 1000 Genomes Project 30x 0.00047; ExAC 0.00025; gnomAD 0.00031 and 0.00103; ESP Exome Variant Server 0.00050; 1000 Genomes Project 0.00060; TOPMed 0.00128.
gnomAD v4.1: 670 of 1,612,456 alleles (0.042%); highest among the groups gnomAD compares: Non-Finnish European, 0.046%; 3 homozygotes.

Submissions (12):

CeGaT Center for Human Genetics Tuebingen
Classification: Likely benign. Last evaluated: 2026-08-01. Review status: criteria provided, single submitter. Criteria: CeGaT Center For Human Genetics Tuebingen Variant Classification Criteria Version 2. Collection method: clinical testing. Allele origin: germline. Affected: yes. Observed: 11 variant alleles.
Comment: TTN: BP4

PreventionGenetics, part of Exact Sciences
Classification: Likely benign for TTN-related condition. Last evaluated: 2026-01-26. Review status: criteria provided, single submitter. Criteria: ACMG Guidelines, 2015. Collection method: clinical testing. Allele origin: germline.
Comment: This variant is classified as likely benign based on ACMG/AMP sequence variant interpretation guidelines (Richards et al. 2015 PMID: 25741868, with internal and published modifications).

Molecular Diagnostic Laboratory for Inherited Cardiovascular Disease, Montreal Heart Institute
Classification: Likely benign. Last evaluated: 2025-04-09. Review status: criteria provided, single submitter. Criteria: ACMG Guidelines, 2015. Collection method: clinical testing. Allele origin: germline. Affected: no.

Blueprint Genetics
Classification: Likely benign. Last evaluated: 2024-11-11. Review status: criteria provided, single submitter. Criteria: ACMG Guidelines, 2015. Collection method: clinical testing. Allele origin: germline.

Women's Health and Genetics/Laboratory Corporation of America, LabCorp
Classification: Uncertain significance. Last evaluated: 2024-09-23. Review status: criteria provided, single submitter. Criteria: LabCorp Variant Classification Summary - May 2015. Collection method: clinical testing. Allele origin: germline.
Comment: Variant summary: TTN c.73543T>C (p.Ser24515Pro) results in a non-conservative amino acid change located in the A-band of the encoded protein sequence. Three of four in-silico tools predict a damaging effect of the variant on protein function. The variant allele was found at a frequency of 0.00026 in 246674 control chromosomes (gnomAD). This frequency is not significantly higher than estimated for a pathogenic variant in TTN causing Dilated Cardiomyopathy (0.00026 vs 0.00039), allowing no conclusion about variant significance. c.73543T>C has been reported in the literature in individuals affected with TTN-related conditions (examples: Burstein_2021, Santori_2015). These report(s) do not provide unequivocal conclusions about association of the variant with Dilated Cardiomyopathy. To our knowledge, no experimental evidence demonstrating an impact on protein function has been reported. The following publications have been ascertained in the context of this evaluation (PMID: 32746448, 26272908). ClinVar contains an entry for this variant (Variation ID: 96307). Based on the evidence outlined above, the variant was classified as uncertain significance.

Revvity Omics, Revvity
Classification: Likely benign. Last evaluated: 2023-12-13. Review status: criteria provided, single submitter. Criteria: ACMG Guidelines, 2015. Collection method: clinical testing. Allele origin: germline.

Athena Diagnostics
Classification: Likely benign. Last evaluated: 2020-06-05. Review status: criteria provided, single submitter. Criteria: Athena Diagnostics Criteria. Collection method: clinical testing. Allele origin: unknown.

Labcorp Genetics (formerly Invitae), Labcorp
Classification: Uncertain significance for Dilated cardiomyopathy 1G; Autosomal recessive limb-girdle muscular dystrophy type 2J. Last evaluated: 2017-11-04. Review status: criteria provided, single submitter. Criteria: Invitae Variant Classification Sherloc (09022015). Collection method: clinical testing. Allele origin: germline.

Eurofins Ntd Llc (ga)
Classification: Uncertain significance. Last evaluated: 2016-06-09. Review status: criteria provided, single submitter. Criteria: EGL Classification Definitions 2015. Collection method: clinical testing. Allele origin: germline. Observed: 3 variant alleles, 3 heterozygotes.

Laboratory for Molecular Medicine, Mass General Brigham Personalized Medicine
Classification: Uncertain significance. Last evaluated: 2015-03-18. Review status: criteria provided, single submitter. Criteria: LMM Criteria. Collection method: clinical testing. Allele origin: germline. Observed: 2 variant alleles.
Comment: The p.Ser24515Pro variant in TTN has not been previously reported in individuals with cardiomyopathy, but has been identified in 0.04% (30/66212) of European ch romosomes by the Exome Aggregation Consortium (ExAC. org; dbSNP rs186273940). Computational prediction tools and conservation analysi s do not provide strong support for or against an impact to the protein. In summ ary, the clinical significance of the p.Ser24515Pro variant is uncertain.

Ambry Genetics
Classification: Likely benign for Cardiovascular phenotype. Last evaluated: 2013-04-09. Review status: criteria provided, single submitter. Criteria: Ambry Autosomal Dominant and X-Linked criteria (10/2015). Collection method: clinical testing. Allele origin: germline. Observed: 1 variant allele.

GeneDx
No classification provided. Last evaluated: 2013-03-06. Review status: no classification provided. Criteria: GeneDx Variant Classification (06012015). Collection method: clinical testing. Allele origin: germline. Affected: yes. Not counted in ClinVar's aggregate classification.
Comment: Missense variants in the TTN gene are considered 'unclassified' if they are not previously reported in the literature and do not have >1% frequency in the population to be considered a polymorphism. Research indicates that truncating mutations in the TTN gene are expected to account for approximately 25% of familial and 18% of sporadic idiopathic DCM; however, truncating variants in the TTN gene have been reported in approximately 3% of reported control alleles. There has been little investigation into non-truncating variants. (Herman D et al. Truncations of titin causing dilated cardiomyopathy. N Eng J Med 366:619-628, 2012) The variant is found in DCM panel(s).

Literature cited by the submitters: PubMed 26272908 (cited by Women's Health and Genetics/Laboratory Corporation of America, LabCorp and Athena Diagnostics); PubMed 32746448 (cited by Women's Health and Genetics/Laboratory Corporation of America, LabCorp).